The following is an entry in ClinVar:

NM_001080453.3(INTS1):c.3345C>T (p.Ala1115=)

Gene: INTS1 (integrator complex subunit 1; minus strand). Cytogenetic location: 7p22.3.
Variant type: single nucleotide variant.
Coding change: c.3345C>T on transcript NM_001080453.3 (MANE Select); coding-DNA position 3345, C replaced by T.
Protein change: p.Ala1115=; no amino-acid change (alanine 1115 retained).
Molecular consequence: synonymous variant.
Genome position (GRCh38, 1-based): chr7:1,484,087, G>A on the plus strand (C>T on the coding strand, the complement: INTS1 is on the minus strand). VCF-style: chr7-1484087-G-A. GRCh37 (hg19) VCF-style: chr7-1523723-G-A.
Identifiers: ClinVar variation 4872751 (VCV004872751.2).

ClinVar aggregate classification (germline): Likely benign (1 of 4 stars; one submission).

gnomAD v4.1: 151 of 1,612,372 alleles (0.0094%); highest among the groups gnomAD compares: Non-Finnish European, 0.012%; no homozygotes.

Submission:

CeGaT Center for Human Genetics Tuebingen
Classification: Likely benign. Last evaluated: 2026-06-01. Review status: criteria provided, single submitter. Criteria: CeGaT Center For Human Genetics Tuebingen Variant Classification Criteria Version 2. Collection method: clinical testing. Allele origin: germline. Affected: yes. Observed: 1 variant allele.
Comment: INTS1: BP4, BP7